The following is an entry in ClinVar:

NM_004004.6(GJB2):c.283G>A (p.Val95Met)

Gene: GJB2 (gap junction protein beta 2; minus strand). Cytogenetic location: 13q12.11.
Variant type: single nucleotide variant.
Coding change: c.283G>A on transcript NM_004004.6 (MANE Select); coding-DNA position 283, G replaced by A.
Protein change: p.Val95Met; replaces valine 95 with methionine.
Molecular consequence: missense variant.
Genome position (GRCh38, 1-based): chr13:20,189,299, C>T on the plus strand (G>A on the coding strand, the complement: GJB2 is on the minus strand). VCF-style: chr13-20189299-C-T. GRCh37 (hg19) VCF-style: chr13-20763438-C-T.
Other names: short protein forms V95M.
Identifiers: ClinVar variation 44735 (VCV000044735.73), dbSNP rs111033299, ClinGen allele CA172220.
Genomic context (GRCh38, chr13:20,189,299, plus strand): 5'-ATTCACTCTTTATCTCCCCCTTGATGAACTTCCTCTTCTTCTCATGTCTCCGGTAGGCCA[C>T]GTGCATGGCCACTAGGAGCGCTGGCGTGGACACGAAGATCAGCTGCAGGGCCCATAGCCG-3'
Protein context (NP_003995.2, residues 85-105): STPALLVAMH[Val95Met]AYRRHEKKRK

ClinVar aggregate classification (germline): Pathogenic/Likely pathogenic. Review status: criteria provided, multiple submitters, no conflicts (2 of 4 stars). 22 submissions from 21 submitters: Pathogenic (17); Likely pathogenic (2). 3 of the submissions do not count toward it. Last evaluated 2026-08-12.

Conditions:
Rare genetic deafness. Identifiers: Orphanet 96210, MedGen C5680250.
Nonsyndromic Deafness. Also called: Non-syndromic hearing loss; Nonsyndromic hearing loss. Identifiers: MedGen C3711374, MeSH C580334.
Ichthyosis, hystrix-like, with hearing loss. Also called: Hystrix-like ichthyosis with deafness. Identifiers: Orphanet 477, MedGen C1865234, MONDO:0011245.
Palmoplantar keratoderma-deafness syndrome. Also called: Keratoderma palmoplantar, with deafness; Palmoplantar keratoderma and sensorineural deafness; Hereditary palmoplantar keratoderma with deafness (subtype); Focal palmoplantar keratoderma with sensorineural deafness (subtype); Diffuse palmoplantar keratoderma with deafness (subtype). Identifiers: Orphanet 2202, MedGen C1835672, MONDO:0007852, OMIM 148350.
Knuckle pads, deafness AND leukonychia syndrome. Also called: Bart-Pumphrey syndrome. Identifiers: Orphanet 2698, MedGen C0266004, MONDO:0007866, OMIM 149200.
X-linked mixed hearing loss with perilymphatic gusher. Also called: Gusher syndrome; NANCE DEAFNESS; PERILYMPHATIC GUSHER-DEAFNESS SYNDROME; SENSORINEURAL DEAFNESS, PROFOUND, WITH OR WITHOUT A CONDUCTIVE COMPONENT, ASSOCIATED WITH A UNIQUE DEVELOPMENTAL ABNORMALITY OF THE EAR; Deafness, X-linked 2. Identifiers: Orphanet 383, MedGen C1844678, MONDO:0010576, OMIM 304400.
Mutilating keratoderma (VOWNKL). Also called: Keratoderma hereditarium mutilans. Identifiers: Orphanet 494, MedGen C0265964, MONDO:0007422, OMIM 124500.
Autosomal recessive nonsyndromic hearing loss 1A (DFNB1A). Also called: Connexin 26 deafness; Deafness nonsyndromic, Connexin 26 linked; GJB6-Related DFNB 1 Nonsyndromic Hearing Loss and Deafness; Deafness, autosomal recessive 1A; Nonsyndromic Hearing Loss and Deafness, DFNB1; GJB2-Related Autosomal Recessive Nonsyndromic Hearing Loss. Identifiers: Orphanet 90636, MedGen C2673759, MONDO:0009076, OMIM 220290.
Autosomal dominant keratitis-ichthyosis-hearing loss syndrome. Also called: Senter syndrome; KID SYNDROME, AUTOSOMAL DOMINANT; HID SYNDROME. Identifiers: Orphanet 477, MedGen C0265336, MONDO:0007850, OMIM 148210.
Autosomal dominant nonsyndromic hearing loss 3A. Identifiers: Orphanet 90635, MedGen C2675750, MONDO:0011103, OMIM 601544.
GJB2-related disorder. Also called: GJB2-related condition; GJB2-related disorders. Identifiers: MedGen CN382183, MONDO:1060236.
Monogenic hearing loss.
Nonsyndromic genetic hearing loss. Also called: Nonsyndromic hearing loss and deafness; Non-syndromic genetic deafness; Nonsyndromic genetic deafness. Identifiers: Orphanet 87884, MedGen C5680182, MONDO:0019497.
Hearing impairment. Also called: Impaired Hearing. Identifiers: MedGen C1384666, MONDO:0005365, HP:0000365.

Allele frequency attached by ClinVar (database versions not stated): gnomAD exomes 0.00005 and 0.00004; 1000 Genomes Project 0.00020; ExAC 0.00004; gnomAD 0.00008; 1000 Genomes Project 30x 0.00031; TOPMed 0.00004.
gnomAD v4.1: 78 of 1,613,992 alleles (0.0048%); highest among the groups gnomAD compares: Admixed American, 0.022%; no homozygotes.

Submissions 1 to 6 of 22:

Genetics Laboratory, Great Ormond Street Hospital NHS Foundation Trust, North Thames Genomic Laboratory Hub
Classification: Pathogenic for Monogenic hearing loss. Last evaluated: 2026-08-12. Review status: criteria provided, single submitter. Criteria: ACGS Best Practice Guidelines for Variant Classification in Rare Disease 2024 v1.2. Collection method: clinical testing. Allele origin: germline. Affected: yes.
Comment: PM2_moderate, PP3_supporting, PM3_very-strong

Labcorp Genetics (formerly Invitae), Labcorp
Classification: Pathogenic. Last evaluated: 2026-01-28. Review status: criteria provided, single submitter. Criteria: Invitae Variant Classification Sherloc (09022015). Collection method: clinical testing. Allele origin: germline.
Comment: This sequence change replaces valine, which is neutral and non-polar, with methionine, which is neutral and non-polar, at codon 95 of the GJB2 protein (p.Val95Met). This variant is present in population databases (rs111033299, gnomAD 0.01%). This missense change has been observed in individuals with autosomal recessive nonsyndromic deafness (PMID: 11216656, 14985372, 23668481, 27398341). It has also been observed to segregate with disease in related individuals. ClinVar contains an entry for this variant (Variation ID: 44735). Invitae Evidence Modeling of protein sequence and biophysical properties (such as structural, functional, and spatial information, amino acid conservation, physicochemical variation, residue mobility, and thermodynamic stability) indicates that this missense variant is expected to disrupt GJB2 protein function with a positive predictive value of 95%. Experimental studies have shown that this missense change affects GJB2 function (PMID: 16217030). For these reasons, this variant has been classified as Pathogenic.

Variantyx, Inc.
Classification: Likely pathogenic for Autosomal recessive nonsyndromic hearing loss 1A. Last evaluated: 2026-01-16. Review status: criteria provided, single submitter. Criteria: Variantyx Assertion Criteria 2022. Collection method: clinical testing. Allele origin: germline. Inheritance: Autosomal recessive inheritance. Affected: yes.
Comment: This is a nonsynonymous variant in the GJB2 gene (OMIM: 121011). Pathogenic variants in this gene have been associated with autosomal recessive hearing loss 1A. This variant has been observed to segregate with disease in at least two individuals from one families (PMID: 9529365) (PP1). Functional studies have shown that this variant alters GJB2 protein function (PMID: 16217030) (PS3_Moderate). Multiple computational algorithms predict a deleterious effect for this variant (REVEL score: 0.894) (PP3). This variant has a 0.0217% maximum allele frequency in non-founder control populations. Based on the genomic data, these variants are in trans.

CeGaT Center for Human Genetics Tuebingen
Classification: Pathogenic. Last evaluated: 2026-01-01. Review status: criteria provided, single submitter. Criteria: CeGaT Center For Human Genetics Tuebingen Variant Classification Criteria Version 2. Collection method: clinical testing. Allele origin: germline. Affected: yes. Observed: 2 variant alleles.
Comment: GJB2: PM3:Very Strong, PM2, PP1

Natera, Inc.
Classification: Pathogenic for Autosomal recessive deafness type 1A. Last evaluated: 2025-12-30. Review status: criteria provided, single submitter. Criteria: Natera Variant Classification Schema (03/2026). Collection method: clinical testing. Allele origin: germline.
Comment: The c.283G>A variant in GJB2 is a missense variant predicted to cause substitution of valine to methionine at amino acid 95. This variant is rare in the general population with a frequency below the threshold expected for the associated phenotype(s). This variant has been observed in one or more individuals affected with the associated recessive disease, as either homozygous or compound heterozygous with a second variant (PMID: 31370293). Computational prediction algorithms indicate this variant is likely to affect gene or protein function. Given the available evidence, this variant is classified as Pathogenic.

GeneDx
Classification: Pathogenic. Last evaluated: 2024-11-07. Review status: criteria provided, single submitter. Criteria: GeneDx Variant Classification Process June 2021. Collection method: clinical testing. Allele origin: germline. Affected: yes.
Comment: Published functional studies demonstrate a damaging effect on the ion permeability of gap junction channels formed by the mutant GJB2 protein (PMID: 16217030); In silico analysis supports that this missense variant has a deleterious effect on protein structure/function; This variant is associated with the following publications: (PMID: 16217030, 12562518, 9529365, 31589614, 29871260, 25388846, 27792752, 12081719, 14985372, 16380907, 15967879, 11439000, 16125251, 11102979, 12239718, 20234132, 19887791, 25401782, 15150777, 19235794, 16222667, 15365987, 17041943, 11216656, 22695344, 16931589, 26043044, 12325027, 18983339, 19371219, 23668481, 22613756, 27843504, 30609409, 30168495, 24256046, 26117665, 11134236, 24156272, 21465647, 17567887, 31370293, 27398341, Ullah2015[Review], 26399936, 31160754, 33096615, 37892203, 34308104, 37106706, Perea2007[Case_report], 23503914, 24158611, 21481246, 34599368, 34515852, 36048236)